The following is an entry in ClinVar:

ClinVar aggregate classification (germline): Uncertain significance. Review status: criteria provided, multiple submitters, no conflicts (2 of 4 stars). 2 submissions from 2 submitters: Uncertain significance (2). Last evaluated 2024-02-17.

Allele frequency attached by ClinVar (database versions not stated): ExAC 0.00002; gnomAD exomes 0.00003; TOPMed 0.00005; gnomAD 0.00006.
gnomAD v4.1: 43 of 1,595,012 alleles (0.0027%); highest among the groups gnomAD compares: South Asian, 0.011%; no homozygotes.

Submissions (2):

Labcorp Genetics (formerly Invitae), Labcorp
Classification: Uncertain significance. Last evaluated: 2024-02-17. Review status: criteria provided, single submitter. Criteria: Invitae Variant Classification Sherloc (09022015). Collection method: clinical testing. Allele origin: germline.
Comment: This sequence change replaces glutamic acid, which is acidic and polar, with lysine, which is basic and polar, at codon 1317 of the RIMS1 protein (p.Glu1317Lys). The frequency data for this variant in the population databases is considered unreliable, as metrics indicate poor data quality at this position in the gnomAD database. This variant has not been reported in the literature in individuals affected with RIMS1-related conditions. ClinVar contains an entry for this variant (Variation ID: 1419309). An algorithm developed to predict the effect of missense changes on protein structure and function (PolyPhen-2) suggests that this variant is likely to be tolerated. In summary, the available evidence is currently insufficient to determine the role of this variant in disease. Therefore, it has been classified as a Variant of Uncertain Significance.

Ambry Genetics
Classification: Uncertain significance. Last evaluated: 2022-10-26. Review status: criteria provided, single submitter. Criteria: Ambry Variant Classification Scheme 2023. Collection method: clinical testing. Allele origin: germline.

NM_014989.7(RIMS1):c.3949G>A (p.Glu1317Lys)

Gene: RIMS1 (regulating synaptic membrane exocytosis 1; plus strand). Cytogenetic location: 6q13.
Variant type: single nucleotide variant.
Coding change: c.3949G>A on transcript NM_014989.7 (MANE Select); coding-DNA position 3949, G replaced by A.
Protein change: p.Glu1317Lys; replaces glutamic acid 1317 with lysine.
Molecular consequence: missense variant. On other transcripts: intron variant (24).
Genome position (GRCh38, 1-based): chr6:72,307,356, G>A. VCF-style: chr6-72307356-G-A. GRCh37 (hg19) VCF-style: chr6-73017059-G-A.
Other names: c.3949G>A (NM_014989.4); c.1909G>A, p.Glu637Lys (NM_001168407.2); c.1870G>A, p.Glu624Lys (NM_001350414.2); c.1993G>A, p.Glu665Lys (NM_001350415.2); c.1942G>A, p.Glu648Lys (NM_001350416.2); c.1915G>A, p.Glu639Lys (NM_001350418.2); c.2023G>A, p.Glu675Lys (NM_001350420.2); c.1768G>A, p.Glu590Lys (NM_001350421.2); and 52 more; short protein forms E1317K, E506K, E557K, E590K, E591K, E613K, E624K, E639K.
Identifiers: ClinVar variation 1419309 (VCV001419309.9), dbSNP rs778328311, ClinGen allele CA3886400.